The following is an entry in ClinVar:

NM_006231.4(POLE):c.3417C>A (p.Ser1139Arg)

Gene: POLE (DNA polymerase epsilon, catalytic subunit; minus strand). Cytogenetic location: 12q24.33.
Variant type: single nucleotide variant.
Coding change: c.3417C>A on transcript NM_006231.4 (MANE Select); coding-DNA position 3417, C replaced by A.
Protein change: p.Ser1139Arg; replaces serine 1139 with arginine.
Molecular consequence: missense variant.
Genome position (GRCh38, 1-based): chr12:132,657,391, G>T on the plus strand (C>A on the coding strand, the complement: POLE is on the minus strand). VCF-style: chr12-132657391-G-T. GRCh37 (hg19) VCF-style: chr12-133233977-G-T.
Other names: short protein forms S1139R.
Identifiers: ClinVar variation 2562941 (VCV002562941.6), dbSNP rs762838377, ClinGen allele CA387389095.

ClinVar aggregate classification (germline): Uncertain significance. Review status: criteria provided, multiple submitters, no conflicts (2 of 4 stars). 2 submissions from 2 submitters: Uncertain significance (2). Last evaluated 2025-06-14.

Conditions:
Hereditary cancer-predisposing syndrome. Also called: Neoplastic Syndromes, Hereditary; Hereditary Cancer Syndrome; Hereditary neoplastic syndrome; Tumor predisposition. Identifiers: Orphanet 140162, MedGen C0027672, MeSH D009386, MONDO:0015356.

gnomAD v4.1: 2 of 1,613,944 alleles (0.00012%); highest among the groups gnomAD compares: South Asian, 0.0022%; no homozygotes.

Submissions (2):

Ambry Genetics
Classification: Uncertain significance for Hereditary cancer-predisposing syndrome. Last evaluated: 2025-06-14. Review status: criteria provided, single submitter. Criteria: Ambry Variant Classification Scheme 2023. Collection method: clinical testing. Allele origin: germline.
Comment: The p.S1139R variant (also known as c.3417C>A), located in coding exon 28 of the POLE gene, results from a C to A substitution at nucleotide position 3417. The serine at codon 1139 is replaced by arginine, an amino acid with dissimilar properties. This amino acid position is conserved. In addition, the in silico prediction for this alteration is inconclusive. Since supporting evidence is limited at this time, the clinical significance of this alteration remains unclear.

Labcorp Genetics (formerly Invitae), Labcorp
Classification: Uncertain significance. Last evaluated: 2025-05-22. Review status: criteria provided, single submitter. Criteria: Invitae Variant Classification Sherloc (09022015). Collection method: clinical testing. Allele origin: germline.
Comment: This sequence change replaces serine, which is neutral and polar, with arginine, which is basic and polar, at codon 1139 of the POLE protein (p.Ser1139Arg). This variant is present in population databases (no rsID available, gnomAD 0.003%). This variant has not been reported in the literature in individuals affected with POLE-related conditions. ClinVar contains an entry for this variant (Variation ID: 2562941). Invitae Evidence Modeling of protein sequence and biophysical properties (such as structural, functional, and spatial information, amino acid conservation, physicochemical variation, residue mobility, and thermodynamic stability) indicates that this missense variant is expected to disrupt POLE protein function with a positive predictive value of 80%. In summary, the available evidence is currently insufficient to determine the role of this variant in disease. Therefore, it has been classified as a Variant of Uncertain Significance.